The following is an entry in ClinVar:

ClinVar aggregate classification (germline): Uncertain significance. Review status: criteria provided, multiple submitters, no conflicts (2 of 4 stars). 2 submissions from 2 submitters: Uncertain significance (2). Last evaluated 2025-10-21.

Conditions:
Autosomal recessive limb-girdle muscular dystrophy type R18 (LGMDR18). Also called: Autosomal recessive limb-girdle muscular dystrophy type 2S; MUSCULAR DYSTROPHY, LIMB-GIRDLE, AUTOSOMAL RECESSIVE 18; Limb-girdle muscular dystrophy, type 2S. Identifiers: Orphanet 369840, MedGen C4517996, MONDO:0014144, OMIM 615356.

Allele frequency attached by ClinVar (database versions not stated): gnomAD exomes below 0.00001 and 0.00001.
gnomAD v4.1: 3 of 1,614,068 alleles (0.00019%); highest among the groups gnomAD compares: Admixed American, 0.0033%; no homozygotes.

Submissions (2):

Labcorp Genetics (formerly Invitae), Labcorp
Classification: Uncertain significance for Autosomal recessive limb-girdle muscular dystrophy type R18. Last evaluated: 2025-10-21. Review status: criteria provided, single submitter. Criteria: Invitae Variant Classification Sherloc (09022015). Collection method: clinical testing. Allele origin: germline.
Comment: This sequence change replaces alanine, which is neutral and non-polar, with serine, which is neutral and polar, at codon 1085 of the TRAPPC11 protein (p.Ala1085Ser). This variant is present in population databases (no rsID available, gnomAD 0.006%). This variant has not been reported in the literature in individuals affected with TRAPPC11-related conditions. ClinVar contains an entry for this variant (Variation ID: 1443264). Invitae Evidence Modeling of protein sequence and biophysical properties (such as structural, functional, and spatial information, amino acid conservation, physicochemical variation, residue mobility, and thermodynamic stability) indicates that this missense variant is not expected to disrupt TRAPPC11 protein function with a negative predictive value of 80%. In summary, the available evidence is currently insufficient to determine the role of this variant in disease. Therefore, it has been classified as a Variant of Uncertain Significance.

Revvity Omics, Revvity
Classification: Uncertain significance for Autosomal recessive limb-girdle muscular dystrophy type R18. Last evaluated: 2022-04-01. Review status: criteria provided, single submitter. Criteria: ACMG Guidelines, 2015. Collection method: clinical testing. Allele origin: germline.

NM_021942.6(TRAPPC11):c.3253G>T (p.Ala1085Ser)

Gene: TRAPPC11 (trafficking protein particle complex subunit 11; plus strand). Cytogenetic location: 4q35.1.
Variant type: single nucleotide variant.
Coding change: c.3253G>T on transcript NM_021942.6 (MANE Select); coding-DNA position 3253, G replaced by T.
Protein change: p.Ala1085Ser; replaces alanine 1085 with serine.
Molecular consequence: missense variant. On other transcripts: intron variant (1).
Genome position (GRCh38, 1-based): chr4:183,708,470, G>T. VCF-style: chr4-183708470-G-T. GRCh37 (hg19) VCF-style: chr4-184629623-G-T.
Other names: c.3199+54G>T (NM_199053.3); short protein forms A1085S.
Identifiers: ClinVar variation 1443264 (VCV001443264.7), dbSNP rs1319124548, ClinGen allele CA358875517.